The following is an entry in ClinVar:

NM_001267550.2(TTN):c.18307G>C (p.Glu6103Gln)

Genes: TTN (titin; minus strand), LOC126806430 (BRD4-independent group 4 enhancer GRCh37_chr2:179593794-179594993; plus strand). Cytogenetic location: 2q31.2.
Variant type: single nucleotide variant.
Coding change: c.18307G>C on transcript NM_001267550.2 (MANE Select); coding-DNA position 18307, G replaced by C.
Protein change: p.Glu6103Gln; replaces glutamic acid 6103 with glutamine.
Molecular consequence: missense variant. On other transcripts: intron variant (3).
Genome position (GRCh38, 1-based): chr2:178,730,093, C>G on the plus strand (G>C on the coding strand, the complement: TTN is on the minus strand). VCF-style: chr2-178730093-C-G. GRCh37 (hg19) VCF-style: chr2-179594820-C-G.
Other names: c.17356G>C, p.Glu5786Gln (NM_001256850.1); c.14575G>C, p.Glu4859Gln (NM_133378.4); c.13282+7989G>C (NM_003319.4); c.13858+7989G>C (NM_133437.4); c.13657+7989G>C (NM_133432.3); short protein forms E4859Q, E5786Q, E6103Q.
Identifiers: ClinVar variation 3754666 (VCV003754666.2).
Genomic context (GRCh38, chr2:178,730,093, plus strand): 5'-GCCCACCCCAGGCAAGAAAATCTAGACAAGCAAGAAAGTGAGGAGATGTAGAGACCAGAC[C>G]TTTTACAAAGAGAGTGGCTTTGCTGGTTGCTGTGCCAACATCATTGCTTAGTTGGCAAAT-3'
Protein context (NP_001254479.2, residues 6093-6113): ATSKATLFVK[Glu6103Gln]PPQFIKKPSP

ClinVar aggregate classification (germline): Uncertain significance (1 of 4 stars; one submission).

Conditions:
Autosomal recessive limb-girdle muscular dystrophy type 2J (LGMDR10). Also called: Limb-girdle muscular dystrophy, type 2J; MUSCULAR DYSTROPHY, LIMB-GIRDLE, AUTOSOMAL RECESSIVE 10. Identifiers: Orphanet 140922, MedGen C1837342, MONDO:0012127, OMIM 608807.
Dilated cardiomyopathy 1G (CMD1G). Identifiers: Orphanet 154, MedGen C1858763, MONDO:0011400, OMIM 604145.

Submission:

Labcorp Genetics (formerly Invitae), Labcorp
Classification: Uncertain significance for Dilated cardiomyopathy 1G; Autosomal recessive limb-girdle muscular dystrophy type 2J. Last evaluated: 2025-04-17. Review status: criteria provided, single submitter. Criteria: Invitae Variant Classification Sherloc (09022015). Collection method: clinical testing. Allele origin: germline.
Comment: This sequence change replaces glutamic acid, which is acidic and polar, with glutamine, which is neutral and polar, at codon 6103 of the TTN protein (p.Glu6103Gln). This variant also falls at the last nucleotide of exon 62, which is part of the consensus splice site for this exon. This variant is not present in population databases (gnomAD no frequency). This variant has not been reported in the literature in individuals affected with TTN-related conditions. ClinVar contains an entry for this variant (Variation ID: 3754666). Experimental studies and prediction algorithms are not available or were not evaluated, and the functional significance of this variant is currently unknown. Variants that disrupt the consensus splice site are a relatively common cause of aberrant splicing (PMID: 17576681, 9536098). Algorithms developed to predict the effect of sequence changes on RNA splicing suggest that this variant may disrupt the consensus splice site. This variant is located in the I band of TTN (PMID: 25589632). Non-truncating variants in this region may be clinically relevant, but have not been definitively shown to cause cardiomyopathy or neuromuscular disease (PMID: 27493940, 32778822). In summary, the available evidence is currently insufficient to determine the role of this variant in disease. Therefore, it has been classified as a Variant of Uncertain Significance.

Literature cited by the submitters: PubMed 17576681; PubMed 9536098; PubMed 25589632; PubMed 27493940; PubMed 32778822.